The following is an entry in ClinVar:

NM_001142800.2(EYS):c.2485A>G (p.Ile829Val)

Gene: EYS (EGF-like photoreceptor maintenance factor; minus strand). Cytogenetic location: 6q12.
Variant type: single nucleotide variant.
Coding change: c.2485A>G on transcript NM_001142800.2 (MANE Select); coding-DNA position 2485, A replaced by G.
Protein change: p.Ile829Val; replaces isoleucine 829 with valine.
Molecular consequence: missense variant.
Genome position (GRCh38, 1-based): chr6:64,912,640, T>C on the plus strand (A>G on the coding strand, the complement: EYS is on the minus strand). VCF-style: chr6-64912640-T-C. GRCh37 (hg19) VCF-style: chr6-65622533-T-C.
Other names: c.2485A>G, p.Ile829Val (NM_001292009.2); c.2485A>G (NM_001142800.1); short protein forms I829V.
Identifiers: ClinVar variation 2149305 (VCV002149305.2), dbSNP rs1257332495, ClinGen allele CA364786409.

ClinVar aggregate classification (germline): Uncertain significance. Review status: criteria provided, multiple submitters, no conflicts (2 of 4 stars). 2 submissions from 2 submitters: Uncertain significance (2). Last evaluated 2025-06-29.

Conditions:
Inborn genetic diseases. Identifiers: MedGen C0950123, MeSH D030342.

Allele frequency attached by ClinVar (database versions not stated): gnomAD 0.00001; TOPMed 0.00003; gnomAD exomes 0.00005.
gnomAD v4.1: 66 of 1,549,786 alleles (0.0043%); highest among the groups gnomAD compares: Non-Finnish European, 0.0057%; no homozygotes.

Submissions (2):

Ambry Genetics
Classification: Uncertain significance for Inborn genetic diseases. Last evaluated: 2025-06-29. Review status: criteria provided, single submitter. Criteria: Ambry Variant Classification Scheme 2023. Collection method: clinical testing. Allele origin: germline.

Labcorp Genetics (formerly Invitae), Labcorp
Classification: Uncertain significance. Last evaluated: 2022-07-19. Review status: criteria provided, single submitter. Criteria: Invitae Variant Classification Sherloc (09022015). Collection method: clinical testing. Allele origin: germline.
Comment: This sequence change replaces isoleucine, which is neutral and non-polar, with valine, which is neutral and non-polar, at codon 829 of the EYS protein (p.Ile829Val). This variant is present in population databases (no rsID available, gnomAD 0.007%). This variant has not been reported in the literature in individuals affected with EYS-related conditions. Algorithms developed to predict the effect of missense changes on protein structure and function output the following: SIFT: "Tolerated"; PolyPhen-2: "Possibly Damaging"; Align-GVGD: "Class C0". The valine amino acid residue is found in multiple mammalian species, which suggests that this missense change does not adversely affect protein function. In summary, the available evidence is currently insufficient to determine the role of this variant in disease. Therefore, it has been classified as a Variant of Uncertain Significance.